The following is an entry in ClinVar:

NM_005633.4(SOS1):c.1490G>A (p.Arg497Gln)

Gene: SOS1 (SOS Ras/Rac guanine nucleotide exchange factor 1; minus strand). Cytogenetic location: 2p22.1.
Variant type: single nucleotide variant.
Coding change: c.1490G>A on transcript NM_005633.4 (MANE Select); coding-DNA position 1490, G replaced by A.
Protein change: p.Arg497Gln; replaces arginine 497 with glutamine.
Molecular consequence: missense variant.
Genome position (GRCh38, 1-based): chr2:39,022,938, C>T on the plus strand (G>A on the coding strand, the complement: SOS1 is on the minus strand). VCF-style: chr2-39022938-C-T. GRCh37 (hg19) VCF-style: chr2-39250079-C-T.
Other names: p.R497Q:CGA>CAA; c.1490G>A (NM_005633.3); c.1469G>A, p.Arg490Gln (NM_001382394.1); c.1490G>A, p.Arg497Gln (NM_001382395.1); short protein forms R497Q, R490Q.
Identifiers: ClinVar variation 45348 (VCV000045348.84), dbSNP rs371314838, ClinGen allele CA136083.

ClinVar aggregate classification (germline): Likely benign. Review status: reviewed by expert panel (3 of 4 stars). 16 submissions from 15 submitters: Likely benign (1). 15 of the submissions do not count toward it. Last evaluated 2020-07-02.

Conditions:
Noonan syndrome and Noonan-related syndrome. Identifiers: Orphanet 98733, MedGen C5681679, MONDO:0020297.
Cardiovascular phenotype. Identifiers: MedGen CN230736.
Fibromatosis, gingival, 1 (GINGF1). Identifiers: Orphanet 2024, MedGen C4551558, MONDO:0007609, OMIM 135300.
Noonan syndrome 4 (NS4). Also called: NOONAN SYNDROME WITH PIGMENTED VILLONODULAR SYNOVITIS; SOS1-Related Noonan Syndrome. Identifiers: Orphanet 648, MedGen C1853120, MONDO:0012547, OMIM 610733.
RASopathy. Also called: rasopathies; Noonan spectrum disorder. Identifiers: Orphanet 536391, MedGen C5555857, MONDO:0021060.
Noonan syndrome 1 (NS1). Also called: FEMALE PSEUDO-TURNER SYNDROME; PTPN11-Related Noonan Syndrome; TURNER PHENOTYPE WITH NORMAL KARYOTYPE. Identifiers: Orphanet 648, MedGen C4551602, MONDO:0008104, OMIM 163950. Disease mechanism: gain of function.
Noonan syndrome (NS). Also called: Noonan's syndrome. Identifiers: Orphanet 648, MedGen C0028326, MeSH D009634, MONDO:0018997. Disease mechanism: gain of function.
SOS1-related disorder. Also called: SOS1-related condition.

Allele frequency attached by ClinVar (database versions not stated): gnomAD exomes 0.00003 and 0.00006; ExAC 0.00005; ESP Exome Variant Server 0.00008; TOPMed 0.00005; gnomAD 0.00004; 1000 Genomes Project 0.00040; 1000 Genomes Project 30x 0.00047.
gnomAD v4.1: 46 of 1,613,372 alleles (0.0029%); highest among the groups gnomAD compares: Middle Eastern, 0.049%; no homozygotes.

Submissions 1 to 11 of 16:

ClinGen RASopathy Variant Curation Expert Panel
Classification: Likely benign for RASopathy. Last evaluated: 2020-07-02. Review status: reviewed by expert panel. Criteria: ClinGen RASopathy ACMG Specifications v1. Collection method: curation. Allele origin: germline. Inheritance: Autosomal dominant inheritance.
Comment: The c.1490G>A (p.Arg497Gln) variant in SOS1 was present in 0.0113% (4/35392) of Latino chromosomes in gnomAD (BS1 not met). It has been observed in 1 proband with Noonan syndrome with an alternate molecular basis for disease (BP5; PMID: 20683980). Of note, it has also been observed in other probands with disparate phenotypes and their reportedly unaffected parents; however, these individuals were not well-phenotyped and, therefore, do not meet current requirements for BS2 (BS2 not met; PMID:21387466, Otto von Guericke University Magdeburg, GeneDx, Partners Laboratory for Molecular Medicine, Integrated Genetics, and Baylor Genetics internal data; ClinVar SCV000209114.12, SCV000062197.7, SCV001361139.1). In vitro functional studies provide some evidence that this variant does not impact protein function (BS3; PMID: 20683980). Although this variant occurs in a location defined by the ClinGen RASopathy Expert Panel to be a mutational hotspot or domain of SOS1, expert judgement was used to classify this variant as likely benign. RASopathy-specific ACMG/AMP criteria applied (PMID: 29493581): BS3, BP5.

Mendelics
Classification: Likely benign for Noonan syndrome 1. Last evaluated: 2026-11-14. Review status: criteria provided, single submitter. Criteria: Mendelics Assertion Criteria 2017. Collection method: clinical testing. Allele origin: unknown. Not counted in ClinVar's aggregate classification.
Comment: Variant NM_005633.4(SOS1):c.1490G>A (p.Arg497Gln) has been re-evaluated given population and internal database frequency incompatible to a dominant inheritance disease caused by SOS1. GnomAD v4.1.2 lists 46 heterozygotes (and zero homozygotes). In-silico predictors point to likely pathogenic but previous functional studies suggest no functional impact (PMID: 20683980).

CeGaT Center for Human Genetics Tuebingen
Classification: Uncertain significance. Last evaluated: 2026-02-01. Review status: criteria provided, single submitter. Criteria: CeGaT Center For Human Genetics Tuebingen Variant Classification Criteria Version 2. Collection method: clinical testing. Allele origin: germline. Affected: yes. Observed: 2 variant alleles. Not counted in ClinVar's aggregate classification.

Labcorp Genetics (formerly Invitae), Labcorp
Classification: Uncertain significance for RASopathy. Last evaluated: 2026-01-31. Review status: criteria provided, single submitter. Criteria: Invitae Variant Classification Sherloc (09022015). Collection method: clinical testing. Allele origin: germline. Not counted in ClinVar's aggregate classification.
Comment: This sequence change replaces arginine, which is basic and polar, with glutamine, which is neutral and polar, at codon 497 of the SOS1 protein (p.Arg497Gln). This variant is present in population databases (rs371314838, gnomAD 0.01%), and has an allele count higher than expected for a pathogenic variant. This missense change has been observed in individual(s) with Noonan syndrome (PMID: 20683980, 21387466). ClinVar contains an entry for this variant (Variation ID: 45348). Invitae Evidence Modeling of protein sequence and biophysical properties (such as structural, functional, and spatial information, amino acid conservation, physicochemical variation, residue mobility, and thermodynamic stability) indicates that this missense variant is expected to disrupt SOS1 protein function with a positive predictive value of 95%. Experimental studies have shown that this missense change affects SOS1 function (PMID: 20683980, 25712082). In summary, the available evidence is currently insufficient to determine the role of this variant in disease. Therefore, it has been classified as a Variant of Uncertain Significance.

PreventionGenetics, part of Exact Sciences
Classification: Likely benign for SOS1-related condition. Last evaluated: 2025-04-21. Review status: criteria provided, single submitter. Criteria: ACMG Guidelines, 2015. Collection method: clinical testing. Allele origin: germline. Not counted in ClinVar's aggregate classification.
Comment: This variant is classified as likely benign based on ACMG/AMP sequence variant interpretation guidelines (Richards et al. 2015 PMID: 25741868, with internal and published modifications).

Ambry Genetics
Classification: Uncertain significance for Cardiovascular phenotype. Last evaluated: 2024-12-13. Review status: criteria provided, single submitter. Criteria: Ambry Variant Classification Scheme 2023. Collection method: clinical testing. Allele origin: germline. Not counted in ClinVar's aggregate classification.

Blueprint Genetics
Classification: Likely benign. Last evaluated: 2024-07-18. Review status: criteria provided, single submitter. Criteria: ACMG Guidelines, 2015. Collection method: clinical testing. Allele origin: germline. Not counted in ClinVar's aggregate classification.

GeneDx
Classification: Uncertain significance. Last evaluated: 2023-10-03. Review status: criteria provided, single submitter. Criteria: GeneDx Variant Classification Process June 2021. Collection method: clinical testing. Allele origin: germline. Affected: yes. Not counted in ClinVar's aggregate classification.
Comment: Identified in an individual with Noonan syndrome who also had a de novo pathogenic variant in the RAF1 gene, likely the causative variant (Longoni et al., 2010); and identified in another individual with features of Noonan syndrome but was inherited from an asymptomatic parent (Lepri et al., 2011); In silico analysis supports that this missense variant has a deleterious effect on protein structure/function; Missense variants in this gene are commonly considered pathogenic (HGMD); This variant is associated with the following publications: (PMID: 25712082, 22585553, 24803665, 20683980, 21387466, 29752777, 34426522, 29493581, 17143282, 12628188, 20648242)

Fulgent Genetics
Classification: Likely benign for Fibromatosis, gingival, 1; Noonan syndrome 4. Last evaluated: 2022-03-29. Review status: criteria provided, single submitter. Criteria: ACMG Guidelines, 2015. Collection method: clinical testing. Allele origin: unknown. Not counted in ClinVar's aggregate classification.

Genome Diagnostics Laboratory, The Hospital for Sick Children
Classification: Benign for Noonan syndrome and Noonan-related syndrome. Last evaluated: 2021-04-26. Review status: criteria provided, single submitter. Criteria: ACMG Guidelines, 2015. Collection method: clinical testing. Allele origin: germline. Not counted in ClinVar's aggregate classification.

St. Jude Molecular Pathology, St. Jude Children's Research Hospital
Classification: Likely benign for Noonan syndrome. Last evaluated: 2020-09-23. Review status: criteria provided, single submitter. Criteria: St. Jude Assertion Criteria 2020. Collection method: clinical testing. Allele origin: germline. Not counted in ClinVar's aggregate classification.
Comment: The c.1490G>A missense variant has a frequency of 0.00005677 (16 of 281,850 alleles) in gnomAD v2.1.1 with a maximum allele frequency of 0.0001130 (4 of 35,392) in the Latino subpopulation. Although multiple lines of computational evidence suggest a deleterious effect on the gene or gene product (PP3), in vitro functional studies provide some evidence that this variant does not impact protein function (BS3; PMID: 20683980). This variant has been observed in one proband with Noonan syndrome with an alternate molecular basis for disease (BP5; PMID: 20683980). This variant has been classified as likely benign by the ClinGen RASopathy Variant Curation Expert Panel with additional unpublished patient data (SCV001424738.1). In summary, this variant meets criteria to be classified as likely benign based on the ACMG/AMP criteria, as specified by the ClinGen RASopathy Variant Curation Expert Panel (PMID:29493581): BS3, BP5.